The following is an entry in ClinVar:

NM_001368397.1(FRMPD4):c.2849A>G (p.Gln950Arg)

Gene: FRMPD4 (FERM and PDZ domain containing 4; plus strand). Cytogenetic location: Xp22.2.
Variant type: single nucleotide variant.
Coding change: c.2849A>G on transcript NM_001368397.1 (MANE Select); coding-DNA position 2849, A replaced by G.
Protein change: p.Gln950Arg; replaces glutamine 950 with arginine.
Molecular consequence: missense variant.
Genome position (GRCh38, 1-based): chrX:12,717,675, A>G. VCF-style: chrX-12717675-A-G. GRCh37 (hg19) VCF-style: chrX-12735794-A-G.
Other names: c.2960A>G, p.Gln987Arg (NM_001368395.3, NM_001368398.3); c.2855A>G, p.Gln952Arg (NM_001368396.3); c.2840A>G, p.Gln947Arg (NM_001368399.3); c.2729A>G, p.Gln910Arg (NM_001368400.3); c.2825A>G, p.Gln942Arg (NM_001368401.1, NM_001368402.3); c.2849A>G, p.Gln950Arg (NM_014728.3); short protein forms Q910R, Q942R, Q947R, Q950R, Q952R, Q987R.
Identifiers: ClinVar variation 5018385 (VCV005018385.1).

ClinVar aggregate classification (germline): Uncertain significance (1 of 4 stars; one submission).

gnomAD v4.1: 1 of 1,211,622 alleles (0.000083%); highest among the groups gnomAD compares: Non-Finnish European, 0.00011%; no homozygotes.

Submission:

GeneDx
Classification: Uncertain significance. Last evaluated: 2026-04-09. Review status: criteria provided, single submitter. Criteria: GeneDx Variant Classification Process June 2021. Collection method: clinical testing. Allele origin: germline.
Comment: Not observed at significant frequency in large population cohorts (gnomAD); In silico analysis suggests that this missense variant does not alter protein structure/function; Has not been previously published as pathogenic or benign to our knowledge